The following is an entry in ClinVar:

NM_182961.4(SYNE1):c.2147G>A (p.Cys716Tyr)

Gene: SYNE1 (spectrin repeat containing nuclear envelope protein 1; minus strand). Cytogenetic location: 6q25.2.
Variant type: single nucleotide variant.
Coding change: c.2147G>A on transcript NM_182961.4 (MANE Select); coding-DNA position 2147, G replaced by A.
Protein change: p.Cys716Tyr; replaces cysteine 716 with tyrosine.
Molecular consequence: missense variant.
Genome position (GRCh38, 1-based): chr6:152,462,841, C>T on the plus strand (G>A on the coding strand, the complement: SYNE1 is on the minus strand). VCF-style: chr6-152462841-C-T. GRCh37 (hg19) VCF-style: chr6-152783976-C-T.
Other names: c.2168G>A, p.Cys723Tyr (NM_033071.5); short protein forms C716Y, C723Y.
Identifiers: ClinVar variation 586722 (VCV000586722.7), dbSNP rs369355230, ClinGen allele CA4059209.

ClinVar aggregate classification (germline): Uncertain significance. Review status: criteria provided, multiple submitters, no conflicts (2 of 4 stars). 2 submissions from 2 submitters: Uncertain significance (2). Last evaluated 2022-02-03.

Conditions:
Emery-Dreifuss muscular dystrophy 4, autosomal dominant (EDMD4). Also called: EMERY-DREIFUSS MUSCULAR DYSTROPHY 4 WITH VARIABLE FEATURES. Identifiers: Orphanet 261, MedGen C2751807, MONDO:0013071, OMIM 612998.
Autosomal recessive ataxia, Beauce type. Also called: SYNE1-Related Autosomal Recessive Cerebellar Ataxia; Spinocerebellar ataxia, autosomal recessive 8; ATAXIA, RECESSIVE, OF BEAUCE; SYNE1 Deficiency. Identifiers: Orphanet 88644, MedGen C1853116, MONDO:0012549, OMIM 610743.

Allele frequency attached by ClinVar (database versions not stated): gnomAD below 0.00001 and 0.00001; TOPMed below 0.00001; gnomAD exomes 0.00001.
gnomAD v4.1: 18 of 1,613,900 alleles (0.0011%); highest among the groups gnomAD compares: South Asian, 0.018%; no homozygotes.

Submissions (2):

Labcorp Genetics (formerly Invitae), Labcorp
Classification: Uncertain significance for Emery-Dreifuss muscular dystrophy 4, autosomal dominant; Autosomal recessive ataxia, Beauce type. Last evaluated: 2022-02-03. Review status: criteria provided, single submitter. Criteria: Invitae Variant Classification Sherloc (09022015). Collection method: clinical testing. Allele origin: germline.
Comment: This variant has not been reported in the literature in individuals affected with SYNE1-related conditions. In summary, the available evidence is currently insufficient to determine the role of this variant in disease. Therefore, it has been classified as a Variant of Uncertain Significance. Algorithms developed to predict the effect of missense changes on protein structure and function output the following: SIFT: "Tolerated"; PolyPhen-2: "Benign"; Align-GVGD: "Class C0". The tyrosine amino acid residue is found in multiple mammalian species, which suggests that this missense change does not adversely affect protein function. ClinVar contains an entry for this variant (Variation ID: 586722). This variant is present in population databases (rs369355230, gnomAD 0.02%). This sequence change replaces cysteine, which is neutral and slightly polar, with tyrosine, which is neutral and polar, at codon 723 of the SYNE1 protein (p.Cys723Tyr).

Athena Diagnostics
Classification: Uncertain significance. Last evaluated: 2017-11-09. Review status: criteria provided, single submitter. Criteria: Athena Diagnostics Criteria. Collection method: clinical testing. Allele origin: germline.